The following is an entry in ClinVar:

ClinVar aggregate classification (germline): Conflicting classifications of pathogenicity. Review status: criteria provided, conflicting classifications (1 of 4 stars). 10 submissions from 9 submitters: Uncertain significance (7); Likely benign (1). 2 of the submissions do not count toward it. Last evaluated 2025-11-25.

Conditions:
IMPDH1-related disorder. Also called: IMPDH1-related condition; IMPDH1-related disorders.
Inborn genetic diseases. Identifiers: MedGen C0950123, MeSH D030342.
Leber congenital amaurosis 11 (LCA11). Identifiers: Orphanet 65, MedGen C1840284, MONDO:0013454, OMIM 613837.
Retinitis pigmentosa 10 (RP10). Identifiers: Orphanet 791, MedGen C1867299, MONDO:0008379, OMIM 180105.
Retinitis pigmentosa (RP). Identifiers: Orphanet 791, MedGen C0035334, MeSH D012174, MONDO:0019200, OMIM 268000. Inheritance: Autosomal dominant, autosomal recessive and X linked inheritance.

Allele frequency attached by ClinVar (database versions not stated): gnomAD exomes 0.00036 and 0.00021; TOPMed 0.00014; ESP Exome Variant Server 0.00015; 1000 Genomes Project 30x 0.00016; 1000 Genomes Project 0.00020; ExAC 0.00024; gnomAD 0.00024 and 0.00025.
gnomAD v4.1: 555 of 1,614,106 alleles (0.034%); highest among the groups gnomAD compares: Non-Finnish European, 0.045%; no homozygotes.

Submissions (10):

Labcorp Genetics (formerly Invitae), Labcorp
Classification: Uncertain significance. Last evaluated: 2025-11-25. Review status: criteria provided, single submitter. Criteria: Invitae Variant Classification Sherloc (09022015). Collection method: clinical testing. Allele origin: germline.
Comment: This sequence change replaces glutamic acid, which is acidic and polar, with glutamine, which is neutral and polar, at codon 572 of the IMPDH1 protein (p.Glu572Gln). This variant is present in population databases (rs150628823, gnomAD 0.05%). This variant has not been reported in the literature in individuals affected with IMPDH1-related conditions. ClinVar contains an entry for this variant (Variation ID: 194611). An algorithm developed to predict the effect of missense changes on protein structure and function (PolyPhen-2) suggests that this variant is likely to be tolerated. In summary, the available evidence is currently insufficient to determine the role of this variant in disease. Therefore, it has been classified as a Variant of Uncertain Significance.

PreventionGenetics, part of Exact Sciences
Classification: Uncertain significance for IMPDH1-related condition. Last evaluated: 2025-10-15. Review status: criteria provided, single submitter. Criteria: ACMG Guidelines, 2015. Collection method: clinical testing. Allele origin: germline.
Comment: The IMPDH1 c.1714G>C variant is predicted to result in the amino acid substitution p.Glu572Gln. To our knowledge, this variant has not been reported in the literature. This variant is reported in 0.043% of alleles in individuals of European (Non-Finnish) descent in gnomAD, which may be too frequent to be a primary cause of disease. Although we suspect that this variant may be benign, at this time, the clinical significance of this variant is uncertain due to the absence of conclusive functional and genetic evidence.

Blueprint Genetics
Classification: Likely benign. Last evaluated: 2024-10-04. Review status: criteria provided, single submitter. Criteria: ACMG Guidelines, 2015. Collection method: clinical testing. Allele origin: germline.

Ambry Genetics
Classification: Uncertain significance for Inborn genetic diseases. Last evaluated: 2022-11-08. Review status: criteria provided, single submitter. Criteria: Ambry Variant Classification Scheme 2023. Collection method: clinical testing. Allele origin: germline.

Fulgent Genetics
Classification: Uncertain significance for Retinitis pigmentosa 10; Leber congenital amaurosis 11. Last evaluated: 2022-05-05. Review status: criteria provided, single submitter. Criteria: ACMG Guidelines, 2015. Collection method: clinical testing. Allele origin: unknown.

Illumina Laboratory Services, Illumina
Classification: Uncertain significance for Retinitis pigmentosa. Last evaluated: 2018-01-13. Review status: criteria provided, single submitter. Criteria: ICSL Variant Classification Criteria 13 December 2019. Collection method: clinical testing. Allele origin: germline.

Illumina Laboratory Services, Illumina
Classification: Uncertain significance for Leber congenital amaurosis 11. Last evaluated: 2018-01-13. Review status: criteria provided, single submitter. Criteria: ICSL Variant Classification Criteria 13 December 2019. Collection method: clinical testing. Allele origin: germline.

Eurofins Ntd Llc (ga)
Classification: Uncertain significance. Last evaluated: 2015-03-03. Review status: criteria provided, single submitter. Criteria: EGL Classification Definitions 2015. Collection method: clinical testing. Allele origin: germline. Observed: 1 variant allele, 1 heterozygote.

Clinical Genetics DNA and cytogenetics Diagnostics Lab, Erasmus MC, Erasmus Medical Center
Classification: Likely benign. Review status: no assertion criteria provided. Collection method: clinical testing. Allele origin: germline. Affected: yes. Study: VKGL Data-share Consensus. Not counted in ClinVar's aggregate classification.

Clinical Genetics, Academic Medical Center
Classification: Likely benign. Review status: no assertion criteria provided. Collection method: clinical testing. Allele origin: germline. Affected: yes. Study: VKGL Data-share Consensus. Not counted in ClinVar's aggregate classification.

NM_000883.4(IMPDH1):c.1714G>C (p.Glu572Gln)

Gene: IMPDH1 (inosine monophosphate dehydrogenase 1; minus strand). Cytogenetic location: 7q32.1.
Variant type: single nucleotide variant.
Coding change: c.1714G>C on transcript NM_000883.4 (MANE Select); coding-DNA position 1714, G replaced by C.
Protein change: p.Glu572Gln; replaces glutamic acid 572 with glutamine.
Molecular consequence: missense variant.
Genome position (GRCh38, 1-based): chr7:128,394,342, C>G on the plus strand (G>C on the coding strand, the complement: IMPDH1 is on the minus strand). VCF-style: chr7-128394342-C-G. GRCh37 (hg19) VCF-style: chr7-128034396-C-G.
Other names: c.1684G>C, p.Glu562Gln (NM_001102605.2); c.1459G>C, p.Glu487Gln (NM_001142573.2); c.1444G>C, p.Glu482Gln (NM_001142574.2); c.1384G>C, p.Glu462Gln (NM_001142575.2); c.1615G>C, p.Glu539Gln (NM_001142576.2); c.1507G>C, p.Glu503Gln (NM_001304521.2); c.1606G>C, p.Glu536Gln (NM_183243.3); short protein forms E572Q, E482Q, E487Q, E503Q, E539Q, E562Q, E462Q, E536Q.
Identifiers: ClinVar variation 194611 (VCV000194611.23), dbSNP rs150628823, ClinGen allele CA240685.
Genomic context (GRCh38, chr7:128,394,342, plus strand): 5'-GCAGGCCATGGACACCACCCTCAATCTGGGCCGACATGGTCCGCTTCTCAAACTTGAGCT[C>G]TCCTGAGTACATCATGGACCTAGGAGGAAGGTAGGTGGAGCAGATCAGGGCCACCAAGGG-3'
Protein context (NP_000874.2, residues 562-582): SVLRSMMYSG[Glu572Gln]LKFEKRTMSA